The following is an entry in ClinVar:

ClinVar aggregate classification (germline): Likely benign (1 of 4 stars; one submission).

gnomAD v4.1: 4,891 of 1,611,890 alleles (0.3%); highest among the groups gnomAD compares: Non-Finnish European, 0.3%; 26 homozygotes.

Submission:

CeGaT Center for Human Genetics Tuebingen
Classification: Likely benign. Last evaluated: 2025-03-01. Review status: criteria provided, single submitter. Criteria: CeGaT Center For Human Genetics Tuebingen Variant Classification Criteria Version 2. Collection method: clinical testing. Allele origin: germline. Affected: yes. Observed: 1 variant allele.
Comment: MICA: BP4, BS2

NM_001177519.3(MICA):c.237T>C (p.Asn79=)

Gene: MICA (MHC class I polypeptide-related sequence A; plus strand). Cytogenetic location: 6p21.33.
Variant type: single nucleotide variant.
Coding change: c.237T>C on transcript NM_001177519.3 (MANE Select); coding-DNA position 237, T replaced by C.
Protein change: p.Asn79=; no amino-acid change (asparagine 79 retained).
Molecular consequence: synonymous variant. On other transcripts: 5 prime UTR variant (3).
Genome position (GRCh38, 1-based): chr6:31,410,709, T>C. VCF-style: chr6-31410709-T-C. GRCh37 (hg19) VCF-style: chr6-31378486-T-C.
Other names: c.-55T>C (NM_001289152.2, NM_001289153.2); c.-6T>C (NM_001289154.2).
Identifiers: ClinVar variation 3777795 (VCV003777795.7).
Genomic context (GRCh38, chr6:31,410,709, plus strand): 5'-TGACAGGCAGAAATGCAGGGCAAAGCCCCAGGGACAGTGGGCAGAAGATGTCCTGGGAAA[T>C]AAGACATGGGACAGAGAGACCAGGGACTTGACAGGGAACGGAAAGGACCTCAGGATGACC-3'
Protein context (NP_001170990.1, residues 69-89): QGQWAEDVLG[Asn79=]KTWDRETRDL